The following is an entry in ClinVar:

NM_005732.4(RAD50):c.353T>C (p.Ile118Thr)

Gene: RAD50 (RAD50 double strand break repair protein; plus strand). Cytogenetic location: 5q31.1.
Variant type: single nucleotide variant.
Coding change: c.353T>C on transcript NM_005732.4 (MANE Select); coding-DNA position 353, T replaced by C.
Protein change: p.Ile118Thr; replaces isoleucine 118 with threonine.
Molecular consequence: missense variant.
Genome position (GRCh38, 1-based): chr5:132,575,916, T>C. VCF-style: chr5-132575916-T-C. GRCh37 (hg19) VCF-style: chr5-131911608-T-C.
Other names: short protein forms I118T.
Identifiers: ClinVar variation 142082 (VCV000142082.22), dbSNP rs200472836, ClinGen allele CA167354.

ClinVar aggregate classification (germline): Uncertain significance. Review status: criteria provided, multiple submitters, no conflicts (2 of 4 stars). 5 submissions from 5 submitters: Uncertain significance (5). Last evaluated 2025-12-16.

Conditions:
Hereditary cancer-predisposing syndrome. Also called: Neoplastic Syndromes, Hereditary; Hereditary neoplastic syndrome; Tumor predisposition; Hereditary Cancer Syndrome. Identifiers: Orphanet 140162, MedGen C0027672, MeSH D009386, MONDO:0015356.
Hereditary breast ovarian cancer syndrome. Also called: Hereditary breast and/or ovarian cancer syndrome; Hereditary breast and ovarian cancer syndrome; BRCA1- and BRCA2-Associated Hereditary Breast and Ovarian Cancer; Hereditary breast and ovarian cancer; Hereditary breast and ovarian cancer syndrome (HBOC); Breast and ovarian cancer. Identifiers: Orphanet 145, MedGen C0677776, MeSH D061325, MONDO:0003582. Disease mechanism: loss of function.
Nijmegen breakage syndrome-like disorder (NBSLD). Also called: MICROCEPHALY AND SPONTANEOUS CHROMOSOME INSTABILITY WITHOUT IMMUNODEFICIENCY; NBS-LIKE DISORDER; RAD50 DEFICIENCY. Identifiers: Orphanet 240760, MedGen C2751318, MONDO:0013118, OMIM 613078.

Allele frequency attached by ClinVar (database versions not stated): gnomAD 0.00001 and 0.00002; TOPMed 0.00002; gnomAD exomes 0.00005 and 0.00007; ExAC 0.00011.
gnomAD v4.1: 82 of 1,609,688 alleles (0.0051%); highest among the groups gnomAD compares: East Asian, 0.17%; 1 homozygote.

Submissions (5):

Ambry Genetics
Classification: Uncertain significance for Hereditary cancer-predisposing syndrome. Last evaluated: 2025-12-16. Review status: criteria provided, single submitter. Criteria: Ambry Variant Classification Scheme 2023. Collection method: clinical testing. Allele origin: germline.
Comment: The p.I118T variant (also known as c.353T>C), located in coding exon 3 of the RAD50 gene, results from a T to C substitution at nucleotide position 353. The isoleucine at codon 118 is replaced by threonine, an amino acid with similar properties. One study detected this alteration in 3/470 alleles from 235 Korean hereditary breast cancer patients (Kim H et al. Breast Cancer Res. Treat. 2017 01;161:95-102). This amino acid position is highly conserved in available vertebrate species. In addition, the in silico prediction for this alteration is inconclusive. Since supporting evidence is limited at this time, the clinical significance of this alteration remains unclear.

Labcorp Genetics (formerly Invitae), Labcorp
Classification: Uncertain significance for Hereditary cancer-predisposing syndrome. Last evaluated: 2025-07-17. Review status: criteria provided, single submitter. Criteria: Invitae Variant Classification Sherloc (09022015). Collection method: clinical testing. Allele origin: germline.
Comment: This sequence change replaces isoleucine, which is neutral and non-polar, with threonine, which is neutral and polar, at codon 118 of the RAD50 protein (p.Ile118Thr). This variant is present in population databases (rs200472836, gnomAD 0.1%). This missense change has been observed in individual(s) with personal and/or family history of breast cancer (PMID: 27783279, 29338689). ClinVar contains an entry for this variant (Variation ID: 142082). Invitae Evidence Modeling of protein sequence and biophysical properties (such as structural, functional, and spatial information, amino acid conservation, physicochemical variation, residue mobility, and thermodynamic stability) indicates that this missense variant is expected to disrupt RAD50 protein function with a positive predictive value of 80%. In summary, the available evidence is currently insufficient to determine the role of this variant in disease. Therefore, it has been classified as a Variant of Uncertain Significance.

Women's Health and Genetics/Laboratory Corporation of America, LabCorp
Classification: Uncertain significance. Last evaluated: 2025-04-07. Review status: criteria provided, single submitter. Criteria: LabCorp Variant Classification Summary - May 2015. Collection method: clinical testing. Allele origin: germline.
Comment: Variant summary: RAD50 c.353T>C (p.Ile118Thr) results in a non-conservative amino acid change located in the Rad50/SbcC-type AAA domain (IPR038729) of the encoded protein sequence. Four of five in-silico tools predict a damaging effect of the variant on protein function. The variant allele was found at a frequency of 6.8e-05 in 250462 control chromosomes, predominantly at a frequency of 0.00093 within the East Asian subpopulation in the gnomAD database. This frequency is not significantly higher than estimated for a pathogenic variant in RAD50 causing Nijmegen Breakage Syndrome-Like Disorder (6.8e-05 vs 0.0024), allowing no conclusion about variant significance. To our knowledge, c.353T>C has not been reported in the literature in individuals affected with Nijmegen Breakage Syndrome-Like Disorder and no experimental evidence demonstrating an impact on protein function has been reported. The following publications have been ascertained in the context of this evaluation (PMID: 27783279, 35884469, 34572942, 29338689, 35534218, 35681111). ClinVar contains an entry for this variant (Variation ID: 142082). Based on the evidence outlined above, the variant was classified as uncertain significance.

Baylor Genetics
Classification: Uncertain significance for Nijmegen breakage syndrome-like disorder. Last evaluated: 2022-03-31. Review status: criteria provided, single submitter. Criteria: ACMG Guidelines, 2015. Collection method: clinical testing. Allele origin: unknown.

Cancer Genomics Group, Japanese Foundation For Cancer Research
Classification: Uncertain significance for Hereditary breast and ovarian cancer syndrome. Last evaluated: 2019-05-01. Review status: criteria provided, single submitter. Criteria: ACMG Guidelines, 2015. Collection method: research. Allele origin: germline. Affected: yes.

Literature cited by the submitters: PubMed 27783279 (cited by 3 submitters); PubMed 29338689 (cited by Labcorp Genetics (formerly Invitae), Labcorp); PubMed 35884469 (cited by Women's Health and Genetics/Laboratory Corporation of America, LabCorp).